The following is an entry in ClinVar:

ClinVar aggregate classification (germline): Uncertain significance (1 of 4 stars; one submission).

Conditions:
Early-onset Parkinson disease 20. Also called: PARKINSON DISEASE 20, AUTOSOMAL RECESSIVE EARLY-ONSET. Identifiers: Orphanet 391411, MedGen C3809824, MONDO:0014233, OMIM 615530.
Developmental and epileptic encephalopathy, 53. Also called: Epileptic encephalopathy, early infantile, 53. Identifiers: MedGen C4479313, MONDO:0033362, OMIM 617389.

Submission:

Labcorp Genetics (formerly Invitae), Labcorp
Classification: Uncertain significance for Developmental and epileptic encephalopathy, 53; Early-onset Parkinson disease 20. Last evaluated: 2019-09-06. Review status: criteria provided, single submitter. Criteria: Invitae Variant Classification Sherloc (09022015). Collection method: clinical testing. Allele origin: germline.
Comment: This variant is not present in population databases (ExAC no frequency). This sequence change replaces phenylalanine with tyrosine at codon 57 of the SYNJ1 protein (p.Phe57Tyr). The phenylalanine residue is moderately conserved and there is a small physicochemical difference between phenylalanine and tyrosine. This variant has not been reported in the literature in individuals with SYNJ1-related conditions. In summary, the available evidence is currently insufficient to determine the role of this variant in disease. Therefore, it has been classified as a Variant of Uncertain Significance. Algorithms developed to predict the effect of missense changes on protein structure and function (SIFT, PolyPhen-2, Align-GVGD) all suggest that this variant is likely to be tolerated, but these predictions have not been confirmed by published functional studies and their clinical significance is uncertain.

NM_203446.3(SYNJ1):c.53T>A (p.Phe18Tyr)

Gene: SYNJ1 (synaptojanin 1; minus strand). Cytogenetic location: 21q22.11.
Variant type: single nucleotide variant.
Coding change: c.53T>A on transcript NM_203446.3 (MANE Select); coding-DNA position 53, T replaced by A.
Protein change: p.Phe18Tyr; replaces phenylalanine 18 with tyrosine.
Molecular consequence: missense variant.
Genome position (GRCh38, 1-based): chr21:32,726,843, A>T on the plus strand (T>A on the coding strand, the complement: SYNJ1 is on the minus strand). VCF-style: chr21-32726843-A-T. GRCh37 (hg19) VCF-style: chr21-34099154-A-T.
Other names: c.53T>A, p.Phe18Tyr (NM_001160302.2, NM_001160306.2); c.170T>A, p.Phe57Tyr (NM_003895.4); short protein forms F57Y, F18Y.
Identifiers: ClinVar variation 943891 (VCV000943891.10), dbSNP rs2043478146, ClinGen allele CA410078241.